The following is an entry in ClinVar:

NM_016734.3(PAX5):c.1168C>G (p.Arg390Gly)

Gene: PAX5 (paired box 5; minus strand). Cytogenetic location: 9p13.2.
Variant type: single nucleotide variant.
Coding change: c.1168C>G on transcript NM_016734.3 (MANE Select); coding-DNA position 1168, C replaced by G.
Protein change: p.Arg390Gly; replaces arginine 390 with glycine.
Molecular consequence: missense variant. On other transcripts: synonymous variant (2), non-coding transcript variant (2).
Genome position (GRCh38, 1-based): chr9:36,840,568, G>C on the plus strand (C>G on the coding strand, the complement: PAX5 is on the minus strand). VCF-style: chr9-36840568-G-C. GRCh37 (hg19) VCF-style: chr9-36840565-G-C.
Other names: c.1066C>G, p.Arg356Gly (NM_001280547.2); c.1081C>G, p.Arg361Gly (NM_001280548.2); c.936C>G, p.Thr312= (NM_001280549.2); c.849C>G, p.Thr283= (NM_001280550.2); c.655C>G, p.Arg219Gly (NM_001280551.2); c.979C>G, p.Arg327Gly (NM_001280552.2); c.952C>G, p.Arg318Gly (NM_001280553.2); c.1039C>G, p.Arg347Gly (NM_001280554.2); and 2 more; short protein forms R356G, R219G, R318G, R347G, R361G, R390G, R282G, R290G.
Identifiers: ClinVar variation 3928357 (VCV003928357.1).

ClinVar aggregate classification (germline): Uncertain significance (1 of 4 stars; one submission).

Conditions:
Inborn genetic diseases. Identifiers: MedGen C0950123, MeSH D030342.

Submission:

Ambry Genetics
Classification: Uncertain significance for Inborn genetic diseases. Last evaluated: 2025-06-09. Review status: criteria provided, single submitter. Criteria: Ambry Variant Classification Scheme 2023. Collection method: clinical testing. Allele origin: germline.
Comment: The p.R390G variant (also known as c.1168C>G), located in coding exon 10 of the PAX5 gene, results from a C to G substitution at nucleotide position 1168. The arginine at codon 390 is replaced by glycine, an amino acid with dissimilar properties. This amino acid position is conserved. In addition, this alteration is predicted to be deleterious by in silico analysis. Based on the available evidence, the clinical significance of this variant remains unclear.